The following is an entry in ClinVar:

ClinVar aggregate classification (germline): Pathogenic (1 of 4 stars; one submission).

Conditions:
Primary ciliary dyskinesia. Also called: Ciliary dyskinesia. Identifiers: Orphanet 244, MedGen C0008780, MONDO:0016575, HP:0012265.

Submission:

Labcorp Genetics (formerly Invitae), Labcorp
Classification: Pathogenic for Primary ciliary dyskinesia. Last evaluated: 2023-11-15. Review status: criteria provided, single submitter. Criteria: Invitae Variant Classification Sherloc (09022015). Collection method: clinical testing. Allele origin: germline.
Comment: This sequence change creates a premature translational stop signal (p.Gln857*) in the CCDC39 gene. It is expected to result in an absent or disrupted protein product. Loss-of-function variants in CCDC39 are known to be pathogenic (PMID: 21131972, 23255504). This variant is not present in population databases (gnomAD no frequency). This variant has not been reported in the literature in individuals affected with CCDC39-related conditions. For these reasons, this variant has been classified as Pathogenic.

Literature cited by the submitters: PubMed 21131972; PubMed 23255504.

NM_181426.2(CCDC39):c.2569C>T (p.Gln857Ter)

Genes: CCDC39 (coiled-coil domain 39 molecular ruler complex subunit; minus strand), TTC14 (tetratricopeptide repeat domain 14; plus strand). Cytogenetic location: 3q26.33.
Variant type: single nucleotide variant.
Coding change: c.2569C>T on transcript NM_181426.2 (MANE Select); coding-DNA position 2569, C replaced by T.
Protein change: p.Gln857Ter; replaces glutamine 857 with a stop codon.
Molecular consequence: nonsense. On other transcripts: intron variant (1).
Genome position (GRCh38, 1-based): chr3:180,616,533, G>A on the plus strand (C>T on the coding strand, the complement: CCDC39 is on the minus strand). VCF-style: chr3-180616533-G-A. GRCh37 (hg19) VCF-style: chr3-180334321-G-A.
Other names: c.1775-847G>A (NM_001288582.2); short protein forms Q857*.
Identifiers: ClinVar variation 2696159 (VCV002696159.3), dbSNP rs2473777138, ClinGen allele CA355305107.